The following is an entry in ClinVar:

NM_002055.5(GFAP):c.1087A>T (p.Ile363Phe)

Genes: GFAP (glial fibrillary acidic protein; minus strand), LOC130060994 (ATAC-STARR-seq lymphoblastoid active region 12266; plus strand). Cytogenetic location: 17q21.31.
Variant type: single nucleotide variant.
Coding change: c.1087A>T on transcript NM_002055.5 (MANE Select); coding-DNA position 1087, A replaced by T.
Protein change: p.Ile363Phe; replaces isoleucine 363 with phenylalanine.
Molecular consequence: missense variant.
Genome position (GRCh38, 1-based): chr17:44,911,276, T>A on the plus strand (A>T on the coding strand, the complement: GFAP is on the minus strand). VCF-style: chr17-44911276-T-A. GRCh37 (hg19) VCF-style: chr17-42988644-T-A.
Other names: c.1087A>T, p.Ile363Phe (NM_001131019.3, NM_001242376.3, NM_001363846.2); short protein forms I363F.
Identifiers: ClinVar variation 2102429 (VCV002102429.4), dbSNP rs2145632673, ClinGen allele CA399843472.
Genomic context (GRCh38, chr17:44,911,276, plus strand): 5'-GGGCTGTGATGAGGGCTCACCGGTTCTCCTCGCCCTCTAGCAGCTTCCTGTAGGTGGCGA[T>A]CTCGATGTCCAGGGCCAGCTTGACATTGAGCAGGTCCTGGTACTCCTGCAAGTGGCGGGC-3'
Protein context (NP_002046.1, residues 353-373): LNVKLALDIE[Ile363Phe]ATYRKLLEGE

ClinVar aggregate classification (germline): Uncertain significance (1 of 4 stars; one submission).

Submission:

Labcorp Genetics (formerly Invitae), Labcorp
Classification: Uncertain significance. Last evaluated: 2022-08-31. Review status: criteria provided, single submitter. Criteria: Invitae Variant Classification Sherloc (09022015). Collection method: clinical testing. Allele origin: germline.
Comment: This sequence change replaces isoleucine, which is neutral and non-polar, with phenylalanine, which is neutral and non-polar, at codon 363 of the GFAP protein (p.Ile363Phe). This variant is not present in population databases (gnomAD no frequency). This missense change has been observed in individual(s) with clinical features of GFAP-related conditions (Invitae). Advanced modeling of protein sequence and biophysical properties (such as structural, functional, and spatial information, amino acid conservation, physicochemical variation, residue mobility, and thermodynamic stability) performed at Invitae indicates that this missense variant is expected to disrupt GFAP protein function. This variant disrupts the p.Ile363 amino acid residue in GFAP. Other variant(s) that disrupt this residue have been observed in individuals with GFAP-related conditions (PMID: 29057636; Invitae), which suggests that this may be a clinically significant amino acid residue. In summary, the available evidence is currently insufficient to determine the role of this variant in disease. Therefore, it has been classified as a Variant of Uncertain Significance.

Literature cited by the submitters: PubMed 29057636.